The following is an entry in ClinVar:

ClinVar aggregate classification (germline): Benign. Review status: criteria provided, multiple submitters, no conflicts (2 of 4 stars). 2 submissions from 2 submitters: Benign (2). Last evaluated 2018-01-12.

Conditions:
Neuroblastoma (NB). Identifiers: Orphanet 635, MedGen C0027819, MeSH D009447, MONDO:0005072, HP:0003006.

Allele frequency attached by ClinVar (database versions not stated): 1000 Genomes Project 30x 0.55809; gnomAD 0.55000; gnomAD exomes 0.47720; 1000 Genomes Project 0.54653; TOPMed 0.56229.
gnomAD v4.1: 286,816 of 576,098 alleles (50%); highest among the groups gnomAD compares: African/African-American, 74%; 73,986 homozygotes.

Submissions (2):

Illumina Laboratory Services, Illumina
Classification: Benign for Neuroblastoma. Last evaluated: 2018-01-12. Review status: criteria provided, single submitter. Criteria: ICSL Variant Classification Criteria 13 December 2019. Collection method: clinical testing. Allele origin: germline.
Comment: This variant was observed in the ICSL laboratory as part of a predisposition screen in an ostensibly healthy population. It had not been previously curated by ICSL or reported in the Human Gene Mutation Database (HGMD: prior to June 1st, 2018), and was therefore a candidate for classification through an automated scoring system. Utilizing variant allele frequency, disease prevalence and penetrance estimates, and inheritance mode, an automated score was calculated to assess if this variant is too frequent to cause the disease. Based on the score and internal cut-off values, a variant classified as benign is not then subjected to further curation. The score for this variant resulted in a classification of benign for this disease.

Breakthrough Genomics
Classification: Benign. Review status: criteria provided, single submitter. Criteria: ACMG Guidelines, 2015. Collection method: not provided. Allele origin: germline. Inheritance: Autosomal dominant inheritance. Affected: yes.

NM_001365951.3(KIF1B):c.*2042C>T

Gene: KIF1B (kinesin family member 1B; plus strand). Cytogenetic location: 1p36.22.
Variant type: single nucleotide variant.
Coding change: c.*2042C>T on transcript NM_001365951.3 (MANE Select); 2042 bases downstream of the stop codon, C replaced by T.
Molecular consequence: 3 prime UTR variant.
Genome position (GRCh38, 1-based): chr1:10,378,629, C>T. VCF-style: chr1-10378629-C-T. GRCh37 (hg19) VCF-style: chr1-10438687-C-T.
Other names: c.*2042C>T (NM_001365952.1, NM_015074.3).
Identifiers: ClinVar variation 291618 (VCV000291618.6), dbSNP rs1536262, ClinGen allele CA10607294.